The following is an entry in ClinVar:

ClinVar aggregate classification (germline): Likely benign. Review status: criteria provided, multiple submitters, no conflicts (2 of 4 stars). 6 submissions from 6 submitters: Likely benign (3). 3 of the submissions do not count toward it. Last evaluated 2026-02-01.

Conditions:
Enhanced S-cone syndrome (ESCS). Identifiers: Orphanet 53540, MedGen C1849394, MONDO:0100288, MONDO:0009989.

Allele frequency attached by ClinVar (database versions not stated): gnomAD 0.00010 and 0.00013; TOPMed 0.00010; gnomAD exomes 0.00012; 1000 Genomes Project 30x 0.00016; 1000 Genomes Project 0.00020; ExAC 0.00022.
gnomAD v4.1: 163 of 1,552,272 alleles (0.011%); highest among the groups gnomAD compares: Middle Eastern, 0.084%; no homozygotes.

Submissions (6):

Labcorp Genetics (formerly Invitae), Labcorp
Classification: Likely benign. Last evaluated: 2026-02-01. Review status: criteria provided, single submitter. Criteria: Invitae Variant Classification Sherloc (09022015). Collection method: clinical testing. Allele origin: germline.

CeGaT Center for Human Genetics Tuebingen
Classification: Likely benign. Last evaluated: 2025-07-01. Review status: criteria provided, single submitter. Criteria: CeGaT Center For Human Genetics Tuebingen Variant Classification Criteria Version 2. Collection method: clinical testing. Allele origin: germline. Affected: yes. Observed: 1 variant allele.
Comment: NR2E3: BP4, BP7

Blueprint Genetics
Classification: Likely benign. Last evaluated: 2024-09-02. Review status: criteria provided, single submitter. Criteria: ACMG Guidelines, 2015. Collection method: clinical testing. Allele origin: germline.

Natera, Inc.
Classification: Likely benign for Enhanced S cone syndrome. Last evaluated: 2020-04-17. Review status: no assertion criteria provided. Collection method: clinical testing. Allele origin: germline. Not counted in ClinVar's aggregate classification.

Clinical Genetics DNA and cytogenetics Diagnostics Lab, Erasmus MC, Erasmus Medical Center
Classification: Likely benign. Review status: no assertion criteria provided. Collection method: clinical testing. Allele origin: germline. Affected: yes. Study: VKGL Data-share Consensus. Not counted in ClinVar's aggregate classification.

Clinical Genetics, Academic Medical Center
Classification: Benign. Review status: no assertion criteria provided. Collection method: clinical testing. Allele origin: germline. Affected: yes. Study: VKGL Data-share Consensus. Not counted in ClinVar's aggregate classification.

NM_014249.4(NR2E3):c.372G>A (p.Pro124=)

Gene: NR2E3 (nuclear receptor subfamily 2 group E member 3; plus strand). Cytogenetic location: 15q23.
Variant type: single nucleotide variant.
Coding change: c.372G>A on transcript NM_014249.4 (MANE Select); coding-DNA position 372, G replaced by A.
Protein change: p.Pro124=; no amino-acid change (proline 124 retained).
Molecular consequence: synonymous variant.
Genome position (GRCh38, 1-based): chr15:71,811,977, G>A. VCF-style: chr15-71811977-G-A. GRCh37 (hg19) VCF-style: chr15-72104317-G-A.
Other names: c.372G>A, p.Pro124= (NM_016346.4).
Identifiers: ClinVar variation 741396 (VCV000741396.24), dbSNP rs561598022, ClinGen allele CA7640304.